The following is an entry in ClinVar:

ClinVar aggregate classification (germline): Uncertain significance (1 of 4 stars; one submission).

Conditions:
Leukodystrophy, hypomyelinating, 6. Also called: TUBB4A-Associated Leukodystrophy; LEUKODYSTROPHY, HYPOMYELINATING, WITH ATROPHY OF THE BASAL GANGLIA AND CEREBELLUM; Hypomyelination with Atrophy of Basal Ganglia and Cerebellum (H-ABC). Identifiers: Orphanet 139441, MedGen C2676244, MONDO:0012905, OMIM 612438.

gnomAD v4.1: 1 of 1,613,976 alleles (0.000062%); highest among the groups gnomAD compares: Non-Finnish European, 0.000085%; no homozygotes.

Submission:

Labcorp Genetics (formerly Invitae), Labcorp
Classification: Uncertain significance for Leukodystrophy, hypomyelinating, 6. Last evaluated: 2024-03-17. Review status: criteria provided, single submitter. Criteria: Invitae Variant Classification Sherloc (09022015). Collection method: clinical testing. Allele origin: germline.
Comment: This sequence change replaces glutamic acid, which is acidic and polar, with lysine, which is basic and polar, at codon 431 of the TUBB4A protein (p.Glu431Lys). This variant is not present in population databases (gnomAD no frequency). This variant has not been reported in the literature in individuals affected with TUBB4A-related conditions. Advanced modeling of protein sequence and biophysical properties (such as structural, functional, and spatial information, amino acid conservation, physicochemical variation, residue mobility, and thermodynamic stability) performed at Invitae indicates that this missense variant is not expected to disrupt TUBB4A protein function with a negative predictive value of 80%. In summary, the available evidence is currently insufficient to determine the role of this variant in disease. Therefore, it has been classified as a Variant of Uncertain Significance.

NM_006087.4(TUBB4A):c.1291G>A (p.Glu431Lys)

Gene: TUBB4A (tubulin beta 4A class IVa; minus strand). Cytogenetic location: 19p13.3.
Variant type: single nucleotide variant.
Coding change: c.1291G>A on transcript NM_006087.4 (MANE Select); coding-DNA position 1291, G replaced by A.
Protein change: p.Glu431Lys; replaces glutamic acid 431 with lysine.
Molecular consequence: missense variant.
Genome position (GRCh38, 1-based): chr19:6,495,208, C>T on the plus strand (G>A on the coding strand, the complement: TUBB4A is on the minus strand). VCF-style: chr19-6495208-C-T. GRCh37 (hg19) VCF-style: chr19-6495219-C-T.
Other names: c.1075G>A, p.Glu359Lys (NM_001289131.2, NM_001289130.2); c.1444G>A, p.Glu482Lys (NM_001289123.2); c.1426G>A, p.Glu476Lys (NM_001289127.2); c.1291G>A, p.Glu431Lys (NM_001289129.2); short protein forms E359K, E431K, E476K, E482K.
Identifiers: ClinVar variation 3628973 (VCV003628973.2).